The following is an entry in ClinVar:

NM_020207.7(ERCC6L2):c.1346T>G (p.Leu449Arg)

Gene: ERCC6L2 (ERCC excision repair 6 like 2; plus strand). Cytogenetic location: 9q22.32.
Variant type: single nucleotide variant.
Coding change: c.1346T>G on transcript NM_020207.7 (MANE Select); coding-DNA position 1346, T replaced by G.
Protein change: p.Leu449Arg; replaces leucine 449 with arginine.
Molecular consequence: missense variant. On other transcripts: non-coding transcript variant (1).
Genome position (GRCh38, 1-based): chr9:95,922,351, T>G. VCF-style: chr9-95922351-T-G. GRCh37 (hg19) VCF-style: chr9-98684633-T-G.
Other names: c.1346T>G, p.Leu449Arg (NM_001010895.4, NM_001375291.1, NM_001375292.1 and 2 more transcripts); short protein forms L449R.
Identifiers: ClinVar variation 4019378 (VCV004019378.1).

ClinVar aggregate classification (germline): Uncertain significance (1 of 4 stars; one submission).

Conditions:
Inborn genetic diseases. Identifiers: MedGen C0950123, MeSH D030342.

Submission:

Ambry Genetics
Classification: Uncertain significance for Inborn genetic diseases. Last evaluated: 2025-05-24. Review status: criteria provided, single submitter. Criteria: Ambry Variant Classification Scheme 2023. Collection method: clinical testing. Allele origin: germline.
Comment: The p.L449R variant (also known as c.1346T>G), located in coding exon 8 of the ERCC6L2 gene, results from a T to G substitution at nucleotide position 1346. The leucine at codon 449 is replaced by arginine, an amino acid with dissimilar properties. This amino acid position is conserved. In addition, this alteration is predicted to be deleterious by in silico analysis. Based on the available evidence, the clinical significance of this variant remains unclear.